The following is an entry in ClinVar:

ClinVar aggregate classification (germline): Uncertain significance (1 of 4 stars; one submission).

gnomAD v4.1: 9 of 1,573,218 alleles (0.00057%); highest among the groups gnomAD compares: African/African-American, 0.012%; no homozygotes.

Submission:

Labcorp Genetics (formerly Invitae), Labcorp
Classification: Uncertain significance. Last evaluated: 2024-06-02. Review status: criteria provided, single submitter. Criteria: Invitae Variant Classification Sherloc (09022015). Collection method: clinical testing. Allele origin: germline.
Comment: This sequence change affects an acceptor splice site in intron 19 of the IFT88 gene. It is expected to disrupt RNA splicing. Variants that disrupt the donor or acceptor splice site typically lead to a loss of protein function (PMID: 16199547), however the current clinical and genetic evidence is not sufficient to establish whether loss-of-function variants in IFT88 cause disease. The frequency data for this variant in the population databases is considered unreliable, as metrics indicate poor data quality at this position in the gnomAD database. This variant has not been reported in the literature in individuals affected with IFT88-related conditions. Algorithms developed to predict the effect of sequence changes on RNA splicing suggest that this variant may disrupt the consensus splice site. In summary, the available evidence is currently insufficient to determine the role of this variant in disease. Therefore, it has been classified as a Variant of Uncertain Significance.

Literature cited by the submitters: PubMed 16199547.

NM_006531.5(IFT88):c.1574-1G>A

Gene: IFT88 (intraflagellar transport 88; plus strand). Cytogenetic location: 13q12.11.
Variant type: single nucleotide variant.
Coding change: c.1574-1G>A on transcript NM_006531.5 (MANE Select); the canonical splice acceptor site of the intron before coding-DNA position 1574, G replaced by A.
Molecular consequence: splice acceptor variant.
Genome position (GRCh38, 1-based): chr13:20,641,289, G>A. VCF-style: chr13-20641289-G-A. GRCh37 (hg19) VCF-style: chr13-21215428-G-A.
Other names: c.1601-1G>A (NM_001318493.2, NM_175605.5, NM_001353566.2 and 2 more transcripts); c.1574-1G>A (NM_001353568.2, NM_001353572.2); c.1499-1G>A (NM_001353570.2, NM_001353576.2, NM_001353577.2 and 1 more transcripts); c.1472-1G>A (NM_001353571.2, NM_001353578.2); c.941-1G>A (NM_001353579.2); c.1517-1G>A (NM_001353575.2, NM_001318491.2); c.1430-1G>A (NM_001353573.2); c.1415-1G>A (NM_001353574.2).
Identifiers: ClinVar variation 3625277 (VCV003625277.2).
Genomic context (GRCh38, chr13:20,641,289, plus strand): 5'-TAAATAAATTAATACCAATAATGATACTTATAGATTTTCTTTTTTTTCTTCTTTTTTTAA[G>A]GCCTTACCTATGAGAAACTAAATCGGCTAGATGAGGCTTTGGACTGTTTCCTGAAACTTC-3'